The following is an entry in ClinVar:

NM_002485.5(NBN):c.2185-122T>C

Gene: NBN (nibrin; minus strand). Cytogenetic location: 8q21.3.
Variant type: single nucleotide variant.
Coding change: c.2185-122T>C on transcript NM_002485.5 (MANE Select); 122 bases into the intron before coding-DNA position 2185, T replaced by C.
Molecular consequence: intron variant.
Genome position (GRCh38, 1-based): chr8:89,937,197, A>G on the plus strand (T>C on the coding strand, the complement: NBN is on the minus strand). VCF-style: chr8-89937197-A-G. GRCh37 (hg19) VCF-style: chr8-90949425-A-G.
Other names: c.1939-122T>C (NM_001024688.3).
Identifiers: ClinVar variation 676644 (VCV000676644.2), dbSNP rs13312969, ClinGen allele CA181268880.

ClinVar aggregate classification (germline): Likely benign. Review status: criteria provided, multiple submitters, no conflicts (2 of 4 stars). 2 submissions from 2 submitters: Likely benign (2). Last evaluated 2018-06-15.

Allele frequency attached by ClinVar (database versions not stated): gnomAD 0.03598 and 0.03824; gnomAD exomes 0.04017; TOPMed 0.04023; 1000 Genomes Project 30x 0.05137; 1000 Genomes Project 0.05212.
gnomAD v4.1: 32,217 of 809,884 alleles (4%); highest among the groups gnomAD compares: South Asian, 9.4%; 962 homozygotes.

Submissions (2):

GeneDx
Classification: Likely benign. Last evaluated: 2018-06-15. Review status: criteria provided, single submitter. Criteria: GeneDx Variant Classification (06012015). Collection method: clinical testing. Allele origin: germline. Affected: yes.
Comment: This variant is considered likely benign or benign based on one or more of the following criteria: it is a conservative change, it occurs at a poorly conserved position in the protein, it is predicted to be benign by multiple in silico algorithms, and/or has population frequency not consistent with disease.

Breakthrough Genomics
Classification: Likely benign. Review status: criteria provided, single submitter. Criteria: ACMG Guidelines, 2015. Collection method: not provided. Allele origin: germline. Inheritance: Autosomal recessive inheritance. Affected: yes.